The following is an entry in ClinVar:

ClinVar aggregate classification (germline): Conflicting classifications of pathogenicity. Review status: criteria provided, conflicting classifications (1 of 4 stars). 3 submissions from 2 submitters: Uncertain significance (2); Benign (1). Last evaluated 2017-10-25.

Conditions:
Transitory neonatal diabetes mellitus. Also called: Transient neonatal diabetes mellitus. Identifiers: MedGen C0342273, MONDO:0020525, HP:0008255.
Maturity-onset diabetes of the young (MODY). Also called: Maturity onset diabetes mellitus in young. Identifiers: Orphanet 552, MedGen C0342276, MONDO:0018911, HP:0004904.

Allele frequency attached by ClinVar (database versions not stated): gnomAD 0.00056 and 0.00077; 1000 Genomes Project 0.00120; TOPMed 0.00092; 1000 Genomes Project 30x 0.00156.

Submissions (3):

Genetic Services Laboratory, University of Chicago
Classification: Benign. Last evaluated: 2017-10-25. Review status: criteria provided, single submitter. Criteria: ACMG Guidelines, 2015. Collection method: clinical testing. Allele origin: germline. Affected: no.

Clinical Genomics, Uppaluri K&H Personalized Medicine Clinic
Classification: Uncertain significance for Maturity-onset diabetes of the young. Review status: criteria provided, single submitter. Criteria: K & H Uppaluri Personalized Medicine Clinic Variant Classification & Assertion Criteria_Updated V.1. Collection method: research. Allele origin: unknown. Inheritance: Somatic mutation.
Comment: Mutations in ABCC8 gene are associated with both neonatal diabetes mellitus as well as MODY. Patients with this mutation may have a better response to sulfonylureas. However, no sufficient evidence is found to ascertain the role of this particular variant ( rs184908312) in MODY yet.

Clinical Genomics, Uppaluri K&H Personalized Medicine Clinic
Classification: Uncertain significance for Transitory neonatal diabetes mellitus. Review status: criteria provided, single submitter. Criteria: K & H Uppaluri Personalized Medicine Clinic Variant Classification & Assertion Criteria_Updated V.1. Collection method: research. Allele origin: unknown. Inheritance: Somatic mutation.
Comment: Mutations in ABCC8 gene are associated with both neonatal diabetes mellitus as well as MODY. Patients with this mutation may have a better response to sulfonylureas. However, no sufficient evidence is found to ascertain the role of this particular variant ( rs184908312) in neonatal diabetes yet.

Literature cited by the submitters: PubMed 16885549 (cited by Clinical Genomics, Uppaluri K&H Personalized Medicine Clinic); PubMed 21989597 (cited by Clinical Genomics, Uppaluri K&H Personalized Medicine Clinic); PubMed 27538677 (cited by Clinical Genomics, Uppaluri K&H Personalized Medicine Clinic); PubMed 18981553 (cited by Clinical Genomics, Uppaluri K&H Personalized Medicine Clinic); PubMed 32027066 (cited by Clinical Genomics, Uppaluri K&H Personalized Medicine Clinic); PubMed 16613899 (cited by Clinical Genomics, Uppaluri K&H Personalized Medicine Clinic); PubMed 18025408 (cited by Clinical Genomics, Uppaluri K&H Personalized Medicine Clinic); PubMed 32792356 (cited by Clinical Genomics, Uppaluri K&H Personalized Medicine Clinic).

NM_000352.4(ABCC8):c.-544G>A

Gene: ABCC8 (ATP binding cassette subfamily C member 8; minus strand). Cytogenetic location: 11p15.1.
Variant type: single nucleotide variant.
Coding change: c.-544G>A on transcript NM_000352.4; 544 bases upstream of the start codon, G replaced by A.
Genome position (GRCh38, 1-based): chr11:17,477,320, C>T on the plus strand (G>A on the coding strand, the complement: ABCC8 is on the minus strand). VCF-style: chr11-17477320-C-T. GRCh37 (hg19) VCF-style: chr11-17498867-C-T.
Identifiers: ClinVar variation 434041 (VCV000434041.9), dbSNP rs184908312, ClinGen allele CA218464631.